The following is an entry in ClinVar:

ClinVar aggregate classification (germline): Uncertain significance (1 of 4 stars; one submission).

Conditions:
Cardiovascular phenotype. Identifiers: MedGen CN230736.

gnomAD v4.1: 1 of 1,560,346 alleles (0.000064%); highest among the groups gnomAD compares: Non-Finnish European, 0.000086%; no homozygotes.

Submission:

Ambry Genetics
Classification: Uncertain significance for Cardiovascular phenotype. Last evaluated: 2025-12-19. Review status: criteria provided, single submitter. Criteria: Ambry Variant Classification Scheme 2023. Collection method: clinical testing. Allele origin: germline.
Comment: The p.E2627K variant (also known as c.7879G>A), located in coding exon 31 of the AKAP9 gene, results from a G to A substitution at nucleotide position 7879. The glutamic acid at codon 2627 is replaced by lysine, an amino acid with similar properties. This amino acid position is conserved. In addition, this alteration is predicted to be tolerated by in silico analysis. Based on the available evidence, the clinical significance of this variant remains unclear.

NM_005751.5(AKAP9):c.7879G>A (p.Glu2627Lys)

Gene: AKAP9 (A-kinase anchoring protein 9; plus strand). Cytogenetic location: 7q21.2.
Variant type: single nucleotide variant.
Coding change: c.7879G>A on transcript NM_005751.5 (MANE Select); coding-DNA position 7879, G replaced by A.
Protein change: p.Glu2627Lys; replaces glutamic acid 2627 with lysine.
Molecular consequence: missense variant.
Genome position (GRCh38, 1-based): chr7:92,080,012, G>A. VCF-style: chr7-92080012-G-A. GRCh37 (hg19) VCF-style: chr7-91709326-G-A.
Other names: c.2524G>A, p.Glu842Lys (NM_001379277.1); c.7855G>A, p.Glu2619Lys (NM_147185.3); short protein forms E842K, E2619K, E2627K.
Identifiers: ClinVar variation 4842377 (VCV004842377.1).